The following is an entry in ClinVar:

ClinVar aggregate classification (germline): Uncertain significance (1 of 4 stars; one submission).

Conditions:
Duchenne muscular dystrophy (DMD). Also called: MUSCULAR DYSTROPHY, PSEUDOHYPERTROPHIC PROGRESSIVE, DUCHENNE TYPE; Duchenne Muscular Dystrophy (DMD). Identifiers: Orphanet 98896, MedGen C0013264, MONDO:0010679, OMIM 310200.

Submission:

Labcorp Genetics (formerly Invitae), Labcorp
Classification: Uncertain significance for Duchenne muscular dystrophy. Last evaluated: 2023-10-04. Review status: criteria provided, single submitter. Criteria: Invitae Variant Classification Sherloc (09022015). Collection method: clinical testing. Allele origin: germline.
Comment: This sequence change replaces valine, which is neutral and non-polar, with glutamic acid, which is acidic and polar, at codon 2498 of the DMD protein (p.Val2498Glu). This variant is not present in population databases (gnomAD no frequency). This variant has not been reported in the literature in individuals affected with DMD-related conditions. Advanced modeling of protein sequence and biophysical properties (such as structural, functional, and spatial information, amino acid conservation, physicochemical variation, residue mobility, and thermodynamic stability) performed at Invitae indicates that this missense variant is not expected to disrupt DMD protein function. In summary, the available evidence is currently insufficient to determine the role of this variant in disease. Therefore, it has been classified as a Variant of Uncertain Significance.

NM_004006.3(DMD):c.7493T>A (p.Val2498Glu)

Gene: DMD (dystrophin; minus strand). Cytogenetic location: Xp21.1.
Variant type: single nucleotide variant.
Coding change: c.7493T>A on transcript NM_004006.3 (MANE Select); coding-DNA position 7493, T replaced by A.
Protein change: p.Val2498Glu; replaces valine 2498 with glutamic acid.
Molecular consequence: missense variant.
Genome position (GRCh38, 1-based): chrX:31,774,009, A>T on the plus strand (T>A on the coding strand, the complement: DMD is on the minus strand). VCF-style: chrX-31774009-A-T. GRCh37 (hg19) VCF-style: chrX-31792126-A-T.
Other names: c.7469T>A, p.Val2490Glu (NM_000109.4); c.7481T>A, p.Val2494Glu (NM_004009.3); c.7124T>A, p.Val2375Glu (NM_004010.3); c.3470T>A, p.Val1157Glu (NM_004011.4); c.3461T>A, p.Val1154Glu (NM_004012.4); c.113T>A, p.Val38Glu (NM_004013.3, NM_004020.4, NM_004021.3 and 2 more transcripts); short protein forms V2490E, V2498E, V2375E, V2494E, V38E, V1154E, V1157E.
Identifiers: ClinVar variation 2750702 (VCV002750702.3), dbSNP rs2530838085, ClinGen allele CA412658795.